The following is an entry in ClinVar:

ClinVar aggregate classification (germline): Likely benign. Review status: criteria provided, single submitter (1 of 4 stars). 2 submissions from 2 submitters: Likely benign (1). 1 of the submissions does not count toward it. Last evaluated 2023-02-16.

Conditions:
ADAMTSL4-related disorder. Also called: ADAMTSL4-related condition; ADAMTSL4-Related Disorders.

Allele frequency attached by ClinVar (database versions not stated): gnomAD exomes below 0.00001; ExAC 0.00001; TOPMed 0.00001; gnomAD 0.00003; 1000 Genomes Project 30x 0.00016; 1000 Genomes Project 0.00020.
gnomAD v4.1: 10 of 1,614,056 alleles (0.00062%); highest among the groups gnomAD compares: Non-Finnish European, 0.00085%; no homozygotes.

Submissions (2):

Labcorp Genetics (formerly Invitae), Labcorp
Classification: Likely benign. Last evaluated: 2023-02-16. Review status: criteria provided, single submitter. Criteria: Invitae Variant Classification Sherloc (09022015). Collection method: clinical testing. Allele origin: germline.

PreventionGenetics, part of Exact Sciences
Classification: Likely benign for ADAMTSL4-related condition. Last evaluated: 2022-03-17. Review status: no assertion criteria provided. Collection method: clinical testing. Allele origin: germline. Not counted in ClinVar's aggregate classification.
Comment: This variant is classified as likely benign based on ACMG/AMP sequence variant interpretation guidelines (Richards et al. 2015 PMID: 25741868, with internal and published modifications).

NM_019032.6(ADAMTSL4):c.1539C>T (p.Leu513=)

Genes: ADAMTSL4 (ADAMTS like 4; plus strand), ADAMTSL4-AS2 (ADAMTSL4 antisense RNA 2; minus strand). Cytogenetic location: 1q21.2.
Variant type: single nucleotide variant.
Coding change: c.1539C>T on transcript NM_019032.6 (MANE Select); coding-DNA position 1539, C replaced by T.
Protein change: p.Leu513=; no amino-acid change (leucine 513 retained).
Molecular consequence: synonymous variant.
Genome position (GRCh38, 1-based): chr1:150,556,329, C>T. VCF-style: chr1-150556329-C-T. GRCh37 (hg19) VCF-style: chr1-150528805-C-T.
Other names: c.1608C>T, p.Leu536= (NM_001288607.2, NM_001288608.2); c.1539C>T, p.Leu513= (NM_001378596.1, NM_025008.5); c.1539C>T (NM_019032.5).
Identifiers: ClinVar variation 1958539 (VCV001958539.7), dbSNP rs201199312, ClinGen allele CA1078295.